The following is an entry in ClinVar:

ClinVar aggregate classification (germline): Uncertain significance. Review status: criteria provided, multiple submitters, no conflicts (2 of 4 stars). 2 submissions from 2 submitters: Uncertain significance (2). Last evaluated 2025-10-21.

Allele frequency attached by ClinVar (database versions not stated): TOPMed 0.00019; gnomAD 0.00024; ESP Exome Variant Server 0.00008.
gnomAD v4.1: 850 of 1,613,824 alleles (0.053%); highest among the groups gnomAD compares: Non-Finnish European, 0.067%; no homozygotes.

Submissions (2):

Labcorp Genetics (formerly Invitae), Labcorp
Classification: Uncertain significance. Last evaluated: 2025-10-21. Review status: criteria provided, single submitter. Criteria: Invitae Variant Classification Sherloc (09022015). Collection method: clinical testing. Allele origin: germline.
Comment: This sequence change replaces glycine, which is neutral and non-polar, with valine, which is neutral and non-polar, at codon 1467 of the SLIT2 protein (p.Gly1467Val). This variant is present in population databases (rs199828775, gnomAD 0.04%). This variant has not been reported in the literature in individuals affected with SLIT2-related conditions. ClinVar contains an entry for this variant (Variation ID: 2057296). An algorithm developed to predict the effect of missense changes on protein structure and function (PolyPhen-2) suggests that this variant is likely to be disruptive. In summary, the available evidence is currently insufficient to determine the role of this variant in disease. Therefore, it has been classified as a Variant of Uncertain Significance.

Ambry Genetics
Classification: Uncertain significance. Last evaluated: 2024-08-21. Review status: criteria provided, single submitter. Criteria: Ambry Variant Classification Scheme 2023. Collection method: clinical testing. Allele origin: germline.

NM_004787.4(SLIT2):c.4400G>T (p.Gly1467Val)

Gene: SLIT2 (slit guidance ligand 2; plus strand). Cytogenetic location: 4p15.31.
Variant type: single nucleotide variant.
Coding change: c.4400G>T on transcript NM_004787.4 (MANE Select); coding-DNA position 4400, G replaced by T.
Protein change: p.Gly1467Val; replaces glycine 1467 with valine.
Molecular consequence: missense variant.
Genome position (GRCh38, 1-based): chr4:20,618,819, G>T. VCF-style: chr4-20618819-G-T. GRCh37 (hg19) VCF-style: chr4-20620442-G-T.
Other names: c.4388G>T, p.Gly1463Val (NM_001289135.3); c.4376G>T, p.Gly1459Val (NM_001289136.3); short protein forms G1459V, G1463V, G1467V.
Identifiers: ClinVar variation 2057296 (VCV002057296.6), dbSNP rs199828775, ClinGen allele CA2872448.